The following is an entry in ClinVar:

NM_001243133.2(NLRP3):c.2322-103A>G

Gene: NLRP3 (NLR family pyrin domain containing 3; plus strand). Cytogenetic location: 1q44.
Variant type: single nucleotide variant.
Coding change: c.2322-103A>G on transcript NM_001243133.2 (MANE Select); 103 bases into the intron before coding-DNA position 2322, A replaced by G.
Molecular consequence: intron variant.
Genome position (GRCh38, 1-based): chr1:247,434,000, A>G. VCF-style: chr1-247434000-A-G. GRCh37 (hg19) VCF-style: chr1-247597302-A-G.
Other names: c.2328-103A>G (NM_004895.5); c.2322-103A>G (NM_001127461.3, NM_001079821.3); c.2151-103A>G (NM_001127462.3, NM_183395.3).
Identifiers: ClinVar variation 2628240 (VCV002628240.2), dbSNP rs80316563, ClinGen allele CA40703546.

ClinVar aggregate classification (germline): Benign (1 of 4 stars; one submission).

Allele frequency attached by ClinVar (database versions not stated): gnomAD exomes 0.02086; gnomAD 0.02174.

Submission:

Unidad de Genómica Garrahan, Hospital de Pediatría Garrahan
Classification: Benign. Last evaluated: 2023-11-12. Review status: criteria provided, single submitter. Criteria: ACMG Guidelines, 2015. Collection method: clinical testing. Allele origin: germline. Affected: no. Observed: 29 variant alleles.
Comment: This variant is classified as Benign based on local population frequency. This variant was detected in 30% of patients studied by a panel of primary immunodeficiencies. Number of patients: 29. Only high quality variants are reported.